The following is an entry in ClinVar:

NM_018706.7(DHTKD1):c.2284_2286del (p.Ile762del)

Gene: DHTKD1 (dehydrogenase E1 and transketolase domain containing 1; plus strand). Cytogenetic location: 10p14.
Variant type: Deletion.
Coding change: c.2284_2286del on transcript NM_018706.7 (MANE Select); coding-DNA positions 2284 to 2286, 3 bases deleted (ATT; older notation c.2284_2286delATT).
Protein change: p.Ile762del; deletes isoleucine 762.
Molecular consequence: inframe deletion.
Genome position (GRCh38, 1-based): chr10:12,113,029-12,113,031, ATT deleted. VCF-style (leftmost placement, unchanged base first): chr10-12113028-CATT-C. GRCh37 (hg19) VCF-style: chr10-12155027-CATT-C.
Other names: short protein forms I762del.
Identifiers: ClinVar variation 1357475 (VCV001357475.8), dbSNP rs765370424, ClinGen allele CA5408192.

ClinVar aggregate classification (germline): Uncertain significance (1 of 4 stars; one submission).

Conditions:
2-aminoadipic 2-oxoadipic aciduria (AAKAD). Also called: Aminoadipic aciduria; ALPHA-AMINOADIPIC AND ALPHA-KETOADIPIC ACIDURIA. Identifiers: Orphanet 79154, MedGen C1859817, MONDO:0008774, OMIM 204750.

Allele frequency attached by ClinVar (database versions not stated): gnomAD exomes below 0.00001; TOPMed below 0.00001; ExAC 0.00001; gnomAD 0.00001.

Submission:

Labcorp Genetics (formerly Invitae), Labcorp
Classification: Uncertain significance for 2-aminoadipic 2-oxoadipic aciduria. Last evaluated: 2024-12-09. Review status: criteria provided, single submitter. Criteria: Invitae Variant Classification Sherloc (09022015). Collection method: clinical testing. Allele origin: germline.
Comment: This variant, c.2284_2286del, results in the deletion of 1 amino acid(s) of the DHTKD1 protein (p.Ile762del), but otherwise preserves the integrity of the reading frame. This variant is present in population databases (rs765370424, gnomAD 0.0009%). This variant has not been reported in the literature in individuals affected with DHTKD1-related conditions. ClinVar contains an entry for this variant (Variation ID: 1357475). Experimental studies and prediction algorithms are not available or were not evaluated, and the functional significance of this variant is currently unknown. In summary, the available evidence is currently insufficient to determine the role of this variant in disease. Therefore, it has been classified as a Variant of Uncertain Significance.